The following is an entry in ClinVar:

NM_016026.4(RDH11):c.605A>G (p.Tyr202Cys)

Genes: GPHN (gephyrin; plus strand), RDH11 (retinol dehydrogenase 11; minus strand). Cytogenetic location: 14q24.1.
Variant type: single nucleotide variant.
Coding change: c.605A>G on transcript NM_016026.4 (MANE Select); coding-DNA position 605, A replaced by G.
Protein change: p.Tyr202Cys; replaces tyrosine 202 with cysteine.
Molecular consequence: missense variant. On other transcripts: intron variant (1).
Genome position (GRCh38, 1-based): chr14:67,690,271, T>C on the plus strand (A>G on the coding strand, the complement: RDH11 is on the minus strand). VCF-style: chr14-67690271-T-C. GRCh37 (hg19) VCF-style: chr14-68156988-T-C.
Other names: c.454+869A>G (NM_001252650.2); short protein forms Y202C.
Identifiers: ClinVar variation 1482291 (VCV001482291.5), dbSNP rs1395344126, ClinGen allele CA390133113.

ClinVar aggregate classification (germline): Uncertain significance (1 of 4 stars; one submission).

Allele frequency attached by ClinVar (database versions not stated): gnomAD exomes below 0.00001 and 0.00001; gnomAD 0.00002; TOPMed 0.00003.
gnomAD v4.1: 5 of 1,614,046 alleles (0.00031%); highest among the groups gnomAD compares: African/African-American, 0.0067%; no homozygotes.

Submission:

Labcorp Genetics (formerly Invitae), Labcorp
Classification: Uncertain significance. Last evaluated: 2023-08-30. Review status: criteria provided, single submitter. Criteria: Invitae Variant Classification Sherloc (09022015). Collection method: clinical testing. Allele origin: germline.
Comment: This variant has not been reported in the literature in individuals affected with RDH11-related conditions. This variant is present in population databases (no rsID available, gnomAD 0.008%). This sequence change replaces tyrosine, which is neutral and polar, with cysteine, which is neutral and slightly polar, at codon 202 of the RDH11 protein (p.Tyr202Cys). In summary, the available evidence is currently insufficient to determine the role of this variant in disease. Therefore, it has been classified as a Variant of Uncertain Significance. An algorithm developed to predict the effect of missense changes on protein structure and function (PolyPhen-2) suggests that this variant is likely to be disruptive. ClinVar contains an entry for this variant (Variation ID: 1482291).